The following is an entry in ClinVar:

NM_006767.4(LZTR1):c.1027G>A (p.Ala343Thr)

Gene: LZTR1 (leucine zipper like post translational regulator 1; plus strand). Cytogenetic location: 22q11.21.
Variant type: single nucleotide variant.
Coding change: c.1027G>A on transcript NM_006767.4 (MANE Select); coding-DNA position 1027, G replaced by A.
Protein change: p.Ala343Thr; replaces alanine 343 with threonine.
Molecular consequence: missense variant.
Genome position (GRCh38, 1-based): chr22:20,992,247, G>A. VCF-style: chr22-20992247-G-A. GRCh37 (hg19) VCF-style: chr22-21346536-G-A.
Other names: short protein forms A343T.
Identifiers: ClinVar variation 2496802 (VCV002496802.2), dbSNP rs2518617962, ClinGen allele CA410781818.

ClinVar aggregate classification (germline): Uncertain significance (1 of 4 stars; one submission).

Conditions:
Hereditary cancer-predisposing syndrome. Also called: Neoplastic Syndromes, Hereditary; Hereditary neoplastic syndrome; Tumor predisposition; Hereditary Cancer Syndrome. Identifiers: Orphanet 140162, MedGen C0027672, MeSH D009386, MONDO:0015356.
Cardiovascular phenotype. Identifiers: MedGen CN230736.

Allele frequency attached by ClinVar (database versions not stated): gnomAD exomes below 0.00001.
gnomAD v4.1: 2 of 1,613,966 alleles (0.00012%); highest among the groups gnomAD compares: Non-Finnish European, 0.00017%; no homozygotes.

Submission:

Ambry Genetics
Classification: Uncertain significance for Cardiovascular phenotype; Hereditary cancer-predisposing syndrome. Last evaluated: 2023-02-27. Review status: criteria provided, single submitter. Criteria: Ambry Variant Classification Scheme 2023. Collection method: clinical testing. Allele origin: germline.
Comment: The p.A343T variant (also known as c.1027G>A), located in coding exon 10 of the LZTR1 gene, results from a G to A substitution at nucleotide position 1027. The alanine at codon 343 is replaced by threonine, an amino acid with similar properties. This amino acid position is conserved. In addition, this alteration is predicted to be tolerated by in silico analysis. Since supporting evidence is limited at this time, the clinical significance of this alteration remains unclear.